The following is an entry in ClinVar:

ClinVar aggregate classification (germline): Conflicting classifications of pathogenicity. Review status: criteria provided, conflicting classifications (1 of 4 stars). 3 submissions from 3 submitters: Uncertain significance (2); Benign (1). Last evaluated 2025-08-10.

Conditions:
KMT2D-related disorder. Also called: KMT2D-Related Disorders.
Kabuki syndrome. Also called: NIIKAWA-KUROKI SYNDROME; Kabuki make-up syndrome. Identifiers: Orphanet 2322, MedGen C0796004, MONDO:0016512.

Allele frequency attached by ClinVar (database versions not stated): ExAC 0.00001; gnomAD exomes 0.00002; gnomAD 0.00003; TOPMed 0.00003.
gnomAD v4.1: 10 of 1,613,886 alleles (0.00062%); highest among the groups gnomAD compares: African/African-American, 0.011%; no homozygotes.

Submissions (3):

Labcorp Genetics (formerly Invitae), Labcorp
Classification: Benign for Kabuki syndrome. Last evaluated: 2025-08-10. Review status: criteria provided, single submitter. Criteria: Invitae Variant Classification Sherloc (09022015). Collection method: clinical testing. Allele origin: germline.

CeGaT Center for Human Genetics Tuebingen
Classification: Uncertain significance. Last evaluated: 2023-04-01. Review status: criteria provided, single submitter. Criteria: CeGaT Center For Human Genetics Tuebingen Variant Classification Criteria Version 2. Collection method: clinical testing. Allele origin: germline. Affected: yes. Observed: 1 variant allele.
Comment: KMT2D: PP2

PreventionGenetics, part of Exact Sciences
Classification: Uncertain significance for KMT2D-related condition. Last evaluated: 2022-09-15. Review status: criteria provided, single submitter. Criteria: ACMG Guidelines, 2015. Collection method: clinical testing. Allele origin: germline.
Comment: The KMT2D c.13627G>T variant is predicted to result in the amino acid substitution p.Asp4543Tyr. This variant has been reported as likely benign or uncertain in a cohort study of individuals with developmental disorders (Faundes et al. 2018. PubMed ID: 29276005. Table S4). This variant is reported in 0.017% of alleles in individuals of African descent in gnomAD. At this time, the clinical significance of this variant is uncertain due to the absence of conclusive functional and genetic evidence.

NM_003482.4(KMT2D):c.13627G>T (p.Asp4543Tyr)

Gene: KMT2D (lysine methyltransferase 2D; minus strand). Cytogenetic location: 12q13.12.
Variant type: single nucleotide variant.
Coding change: c.13627G>T on transcript NM_003482.4 (MANE Select); coding-DNA position 13627, G replaced by T.
Protein change: p.Asp4543Tyr; replaces aspartic acid 4543 with tyrosine.
Molecular consequence: missense variant.
Genome position (GRCh38, 1-based): chr12:49,030,937, C>A on the plus strand (G>T on the coding strand, the complement: KMT2D is on the minus strand). VCF-style: chr12-49030937-C-A. GRCh37 (hg19) VCF-style: chr12-49424720-C-A.
Other names: c.13627G>T (NM_003482.3); short protein forms D4543Y.
Identifiers: ClinVar variation 998422 (VCV000998422.32), dbSNP rs772023360, ClinGen allele CA6545962.